The following is an entry in ClinVar:

ClinVar aggregate classification (germline): Conflicting classifications of pathogenicity. Review status: criteria provided, conflicting classifications (1 of 4 stars). 7 submissions from 7 submitters: Uncertain significance (1); Benign (1); Likely benign (4). 1 of the submissions does not count toward it. Last evaluated 2026-03-01.

Conditions:
Developmental and epileptic encephalopathy, 18 (DEE18). Also called: Early infantile epileptic encephalopathy 18. Identifiers: Orphanet 369894, MedGen C3809624, MONDO:0014201, OMIM 615476.
SZT2-related disorder. Also called: SZT2-related condition.
Inborn genetic diseases. Identifiers: MedGen C0950123, MeSH D030342.

Allele frequency attached by ClinVar (database versions not stated): gnomAD exomes 0.00022 and 0.00051; ExAC 0.00096; gnomAD 0.00188 and 0.00207; ESP Exome Variant Server 0.00197; 1000 Genomes Project 0.00200; TOPMed 0.00221; 1000 Genomes Project 30x 0.00250.
gnomAD v4.1: 615 of 1,557,012 alleles (0.039%); highest among the groups gnomAD compares: African/African-American, 0.7%; 1 homozygote.

Submissions (7):

CeGaT Center for Human Genetics Tuebingen
Classification: Likely benign. Last evaluated: 2026-03-01. Review status: criteria provided, single submitter. Criteria: CeGaT Center For Human Genetics Tuebingen Variant Classification Criteria Version 2. Collection method: clinical testing. Allele origin: germline. Affected: yes. Observed: 3 variant alleles.
Comment: SZT2: BP4, BS2

Labcorp Genetics (formerly Invitae), Labcorp
Classification: Likely benign. Last evaluated: 2026-02-02. Review status: criteria provided, single submitter. Criteria: Invitae Variant Classification Sherloc (09022015). Collection method: clinical testing. Allele origin: germline.

Blueprint Genetics
Classification: Uncertain significance. Last evaluated: 2024-11-26. Review status: criteria provided, single submitter. Criteria: ACMG Guidelines, 2015. Collection method: clinical testing. Allele origin: germline.

Genome-Nilou Lab
Classification: Likely benign for Developmental and epileptic encephalopathy, 18. Last evaluated: 2023-04-11. Review status: criteria provided, single submitter. Criteria: ACMG Guidelines, 2015. Collection method: clinical testing. Allele origin: germline. Affected: no.

GeneDx
Classification: Likely benign. Last evaluated: 2021-01-14. Review status: criteria provided, single submitter. Criteria: GeneDx Variant Classification Process June 2021. Collection method: clinical testing. Allele origin: germline. Affected: yes.

Ambry Genetics
Classification: Benign for Inborn genetic diseases. Last evaluated: 2017-03-16. Review status: criteria provided, single submitter. Criteria: Ambry Variant Classification Scheme 2023. Collection method: clinical testing. Allele origin: germline.

PreventionGenetics, part of Exact Sciences
Classification: Likely benign for SZT2-related condition. Last evaluated: 2021-03-03. Review status: no assertion criteria provided. Collection method: clinical testing. Allele origin: germline. Not counted in ClinVar's aggregate classification.
Comment: This variant is classified as likely benign based on ACMG/AMP sequence variant interpretation guidelines (Richards et al. 2015 PMID: 25741868, with internal and published modifications).

NM_001365999.1(SZT2):c.9782G>A (p.Arg3261Gln)

Genes: SZT2 (SZT2 subunit of KICSTOR complex; plus strand), SZT2-AS1 (SZT2 antisense RNA 1; minus strand). Cytogenetic location: 1p34.2.
Variant type: single nucleotide variant.
Coding change: c.9782G>A on transcript NM_001365999.1 (MANE Select); coding-DNA position 9782, G replaced by A.
Protein change: p.Arg3261Gln; replaces arginine 3261 with glutamine.
Molecular consequence: missense variant. On other transcripts: non-coding transcript variant (1).
Genome position (GRCh38, 1-based): chr1:43,448,297, G>A. VCF-style: chr1-43448297-G-A. GRCh37 (hg19) VCF-style: chr1-43913968-G-A.
Other names: c.9611G>A, p.Arg3204Gln (NM_015284.4); short protein forms R3204Q, R3261Q.
Identifiers: ClinVar variation 589002 (VCV000589002.43), dbSNP rs190363418, ClinGen allele CA811011.
Genomic context (GRCh38, chr1:43,448,297, plus strand): 5'-CGCCTGGACCGGCTCCTCTGTTCCCACCACTGGCTGCAGAGGTGGGCATGGCACGAGCAC[G>A]GCTGGCTCAGCTGGTGCGGCTGGCTGGAGGGCACTGCCGTCGGGACACCCTTTGGAAGCG-3'
Protein context (NP_001352928.1, residues 3251-3271): LAAEVGMARA[Arg3261Gln]LAQLVRLAGG